The following is an entry in ClinVar:

ClinVar aggregate classification (germline): Likely benign (0 of 4 stars; one submission).

Conditions:
PYGL-related disorder. Also called: PYGL-related condition.

Submission:

PreventionGenetics, part of Exact Sciences
Classification: Likely benign for PYGL-related condition. Last evaluated: 2022-05-13. Review status: no assertion criteria provided. Collection method: clinical testing. Allele origin: germline.
Comment: This variant is classified as likely benign based on ACMG/AMP sequence variant interpretation guidelines (Richards et al. 2015 PMID: 25741868, with internal and published modifications).

NM_002863.5(PYGL):c.1827+8G>A

Gene: PYGL (glycogen phosphorylase L; minus strand). Cytogenetic location: 14q22.1.
Variant type: single nucleotide variant.
Coding change: c.1827+8G>A on transcript NM_002863.5 (MANE Select); 8 bases into the intron after coding-DNA position 1827, G replaced by A.
Molecular consequence: intron variant.
Genome position (GRCh38, 1-based): chr14:50,911,970, C>T on the plus strand (G>A on the coding strand, the complement: PYGL is on the minus strand). VCF-style: chr14-50911970-C-T. GRCh37 (hg19) VCF-style: chr14-51378688-C-T.
Other names: c.1725+8G>A (NM_001163940.2).
Identifiers: ClinVar variation 3044316 (VCV003044316.2), dbSNP rs1453132561, ClinGen allele CA614275133.